The following is an entry in ClinVar:

NM_004656.4(BAP1):c.911C>T (p.Ala304Val)

Gene: BAP1 (BRCA1 associated deubiquitinase 1; minus strand). Cytogenetic location: 3p21.1.
Variant type: single nucleotide variant.
Coding change: c.911C>T on transcript NM_004656.4 (MANE Select); coding-DNA position 911, C replaced by T.
Protein change: p.Ala304Val; replaces alanine 304 with valine.
Molecular consequence: missense variant.
Genome position (GRCh38, 1-based): chr3:52,405,785, G>A on the plus strand (C>T on the coding strand, the complement: BAP1 is on the minus strand). VCF-style: chr3-52405785-G-A. GRCh37 (hg19) VCF-style: chr3-52439801-G-A.
Other names: short protein forms A304V.
Identifiers: ClinVar variation 629698 (VCV000629698.6), dbSNP rs1559589115, ClinGen allele CA353106560.

ClinVar aggregate classification (germline): Uncertain significance. Review status: criteria provided, multiple submitters, no conflicts (2 of 4 stars). 2 submissions from 2 submitters: Uncertain significance (2). Last evaluated 2025-02-07.

Conditions:
Hereditary cancer-predisposing syndrome. Also called: Neoplastic Syndromes, Hereditary; Tumor predisposition; Hereditary neoplastic syndrome; Hereditary Cancer Syndrome. Identifiers: Orphanet 140162, MedGen C0027672, MeSH D009386, MONDO:0015356.

Submissions (2):

GeneDx
Classification: Uncertain significance. Last evaluated: 2025-02-07. Review status: criteria provided, single submitter. Criteria: GeneDx Variant Classification Process June 2021. Collection method: clinical testing. Allele origin: germline. Affected: yes.
Comment: Not observed at significant frequency in large population cohorts (gnomAD); In silico analysis indicates that this missense variant does not alter protein structure/function; Has not been previously published as pathogenic or benign to our knowledge

Color Diagnostics, LLC DBA Color Health
Classification: Uncertain significance for Hereditary cancer-predisposing syndrome. Last evaluated: 2023-12-04. Review status: criteria provided, single submitter. Criteria: ACMG Guidelines, 2015. Collection method: clinical testing. Allele origin: germline.
Comment: This missense variant replaces alanine with valine at codon 304 of the BAP1 protein. Computational prediction suggests that this variant may not impact protein structure and function (internally defined REVEL score threshold <= 0.5, PMID: 27666373). To our knowledge, functional studies have not been reported for this variant. This variant has not been reported in individuals affected with BAP1-related disorders in the literature. This variant has not been identified in the general population by the Genome Aggregation Database (gnomAD). The available evidence is insufficient to determine the role of this variant in disease conclusively. Therefore, this variant is classified as a Variant of Uncertain Significance.